The following is an entry in ClinVar:

NM_001206927.2(DNAH8):c.8942T>C (p.Met2981Thr)

Gene: DNAH8 (dynein axonemal heavy chain 8; plus strand). Cytogenetic location: 6p21.2.
Variant type: single nucleotide variant.
Coding change: c.8942T>C on transcript NM_001206927.2 (MANE Select); coding-DNA position 8942, T replaced by C.
Protein change: p.Met2981Thr; replaces methionine 2981 with threonine.
Molecular consequence: missense variant.
Genome position (GRCh38, 1-based): chr6:38,898,259, T>C. VCF-style: chr6-38898259-T-C. GRCh37 (hg19) VCF-style: chr6-38866035-T-C.
Other names: c.8291T>C, p.Met2764Thr (NM_001371.4); short protein forms M2764T, M2981T.
Identifiers: ClinVar variation 2141039 (VCV002141039.2), dbSNP rs539475448, ClinGen allele CA3790351.
Genomic context (GRCh38, chr6:38,898,259, plus strand): 5'-TACTTTAATACATACTTGGATCTTAAATATTATTTTTTTATCTTTCTCTCCACCCATAGA[T>C]GCCATCCTTTGACTTTCTGGCTGAAAAACTCCAGTTTTACCAGAGACAGTTCAATGAAAT-3'
Protein context (NP_001193856.1, residues 2971-2991): VFEVPKIYEL[Met2981Thr]PSFDFLAEKL

ClinVar aggregate classification (germline): Uncertain significance (1 of 4 stars; one submission).

Conditions:
Primary ciliary dyskinesia. Also called: Ciliary dyskinesia. Identifiers: Orphanet 244, MedGen C0008780, MONDO:0016575, HP:0012265.

Allele frequency attached by ClinVar (database versions not stated): ExAC 0.00002; gnomAD exomes 0.00002; gnomAD 0.00003; TOPMed 0.00003; 1000 Genomes Project 30x 0.00016; 1000 Genomes Project 0.00020.
gnomAD v4.1: 38 of 1,588,678 alleles (0.0024%); highest among the groups gnomAD compares: Non-Finnish European, 0.0029%; no homozygotes.

Submission:

Labcorp Genetics (formerly Invitae), Labcorp
Classification: Uncertain significance for Primary ciliary dyskinesia. Last evaluated: 2022-02-11. Review status: criteria provided, single submitter. Criteria: Invitae Variant Classification Sherloc (09022015). Collection method: clinical testing. Allele origin: germline.
Comment: This variant has not been reported in the literature in individuals affected with DNAH8-related conditions. This variant is present in population databases (rs539475448, gnomAD 0.005%). This sequence change replaces methionine, which is neutral and non-polar, with threonine, which is neutral and polar, at codon 2981 of the DNAH8 protein (p.Met2981Thr). Algorithms developed to predict the effect of missense changes on protein structure and function are either unavailable or do not agree on the potential impact of this missense change (SIFT: "Deleterious"; PolyPhen-2: "Not Available"; Align-GVGD: "Class C25"). In summary, the available evidence is currently insufficient to determine the role of this variant in disease. Therefore, it has been classified as a Variant of Uncertain Significance.